The following is an entry in ClinVar:

ClinVar aggregate classification (germline): Likely pathogenic (1 of 4 stars; one submission).

Allele frequency attached by ClinVar (database versions not stated): TOPMed below 0.00001; gnomAD 0.00001; gnomAD exomes 0.00002.
gnomAD v4.1: 16 of 1,613,724 alleles (0.00099%); highest among the groups gnomAD compares: Non-Finnish European, 0.0014%; no homozygotes.

Submission:

GeneDx
Classification: Likely pathogenic. Last evaluated: 2023-06-12. Review status: criteria provided, single submitter. Criteria: GeneDx Variant Classification Process June 2021. Collection method: clinical testing. Allele origin: germline. Affected: yes.
Comment: Reported in an individual with Charcot-Marie-Tooth syndrome who harbored an additional SBF2 variant in trans (Pareyson et al., 2019); Nonsense variant predicted to result in protein truncation or nonsense mediated decay in a gene for which loss of function is a known mechanism of disease; Not observed at significant frequency in large population cohorts (gnomAD); This variant is associated with the following publications: (PMID: 31070812)

NM_030962.4(SBF2):c.5041C>T (p.Gln1681Ter)

Genes: SBF2 (SET binding factor 2; minus strand), SBF2-AS1 (SBF2 antisense RNA 1; plus strand), LOC105369149 (uncharacterized LOC105369149; plus strand). Cytogenetic location: 11p15.4.
Variant type: single nucleotide variant.
Coding change: c.5041C>T on transcript NM_030962.4 (MANE Select); coding-DNA position 5041, C replaced by T.
Protein change: p.Gln1681Ter; replaces glutamine 1681 with a stop codon.
Molecular consequence: nonsense.
Genome position (GRCh38, 1-based): chr11:9,785,315, G>A on the plus strand (C>T on the coding strand, the complement: SBF2 is on the minus strand). VCF-style: chr11-9785315-G-A. GRCh37 (hg19) VCF-style: chr11-9806862-G-A.
Other names: c.5137C>T, p.Gln1713Ter (NM_001386339.1); c.4912C>T, p.Gln1638Ter (NM_001386342.1); short protein forms Q1681*, Q1638*, Q1713*.
Identifiers: ClinVar variation 632177 (VCV000632177.5), dbSNP rs1343702415, ClinGen allele CA379631830.